The following is an entry in ClinVar:

NM_014236.4(GNPAT):c.65T>C (p.Val22Ala)

Gene: GNPAT (glyceronephosphate O-acyltransferase; plus strand). Cytogenetic location: 1q42.2.
Variant type: single nucleotide variant.
Coding change: c.65T>C on transcript NM_014236.4 (MANE Select); coding-DNA position 65, T replaced by C.
Protein change: p.Val22Ala; replaces valine 22 with alanine.
Molecular consequence: missense variant.
Genome position (GRCh38, 1-based): chr1:231,241,443, T>C. VCF-style: chr1-231241443-T-C. GRCh37 (hg19) VCF-style: chr1-231377189-T-C.
Other names: c.65T>C, p.Val22Ala (NM_001316350.2); short protein forms V22A.
Identifiers: ClinVar variation 716279 (VCV000716279.19), dbSNP rs143388851, ClinGen allele CA1451705.

ClinVar aggregate classification (germline): Conflicting classifications of pathogenicity. Review status: criteria provided, conflicting classifications (1 of 4 stars). 3 submissions from 3 submitters: Uncertain significance (2); Likely benign (1). Last evaluated 2025-12-29.

Conditions:
Rhizomelic chondrodysplasia punctata type 2 (RCDP2). Also called: DHAPAT DEFICIENCY; Glyceronephosphate O-acyltransferase deficiency; DIHYDROXYACETONEPHOSPHATE ACYLTRANSFERASE DEFICIENCY; PEROXISOMAL DIHYDROXYACETONEPHOSPHATE ACYLTRANSFERASE DEFICIENCY; glyceronephosphate O-acyltransferase (GNPAT) deficiency; Chondrodysplasia punctata, rhizomelic, due to dihydroxyacetonephosphate acyltransferase deficiency. Identifiers: Orphanet 177, Orphanet 309796, MedGen C1857242, MONDO:0100273, OMIM 222765. Disease mechanism: loss of function.

Allele frequency attached by ClinVar (database versions not stated): gnomAD exomes 0.00009 and 0.00023; ExAC 0.00035; ESP Exome Variant Server 0.00092; gnomAD 0.00095 and 0.00101; TOPMed 0.00120; 1000 Genomes Project 0.00180; 1000 Genomes Project 30x 0.00281.
gnomAD v4.1: 282 of 1,612,528 alleles (0.017%); highest among the groups gnomAD compares: African/African-American, 0.33%; no homozygotes.

Submissions (3):

Labcorp Genetics (formerly Invitae), Labcorp
Classification: Likely benign. Last evaluated: 2025-12-29. Review status: criteria provided, single submitter. Criteria: Invitae Variant Classification Sherloc (09022015). Collection method: clinical testing. Allele origin: germline.

GeneDx
Classification: Uncertain significance. Last evaluated: 2024-12-17. Review status: criteria provided, single submitter. Criteria: GeneDx Variant Classification Process June 2021. Collection method: clinical testing. Allele origin: germline. Affected: yes.
Comment: See Variant Classification Assertion Criteria.

ARUP Laboratories, Molecular Genetics and Genomics, ARUP Laboratories
Classification: Uncertain significance for Rhizomelic chondrodysplasia punctata type 2. Last evaluated: 2019-10-28. Review status: criteria provided, single submitter. Criteria: ARUP Molecular Germline Variant Investigation Process. Collection method: clinical testing. Allele origin: germline.
Comment: The GNPAT c.65T>C; p.Val22Ala variant (rs143388851), to our knowledge, is not reported in the medical literature or gene-specific databases. This variant is found in the African population with an overall allele frequency of 0.35% (87/24968 alleles) in the Genome Aggregation Database. The valine at codon 22 is moderately conserved, and computational analyses (SIFT: damaging, PolyPhen-2: benign) predict conflicting effects of this variant on protein structure/function. Given the lack of clinical and functional data, the significance of the p.Val22Ala variant is uncertain at this time.